The following is an entry in ClinVar:

ClinVar aggregate classification (germline): Likely benign. Review status: criteria provided, multiple submitters, no conflicts (2 of 4 stars). 2 submissions from 2 submitters: Likely benign (2). Last evaluated 2023-10-02.

Conditions:
Aortic aneurysm, familial thoracic 4 (AAT4). Also called: AORTIC ANEURYSM/AORTIC DISSECTION AND PATENT DUCTUS ARTERIOSUS. Identifiers: MedGen C1851504, MONDO:0007568, OMIM 132900.
Familial thoracic aortic aneurysm and aortic dissection (TAAD). Also called: Thoracic aortic aneurysms and dissections. Identifiers: Orphanet 91387, MedGen C4707243, MONDO:0019625.

Submissions (2):

All of Us Research Program, National Institutes of Health
Classification: Likely benign for Familial thoracic aortic aneurysm and aortic dissection. Last evaluated: 2023-10-02. Review status: criteria provided, single submitter. Criteria: ACMG Guidelines, 2015. Collection method: clinical testing. Allele origin: germline. Inheritance: Autosomal dominant inheritance. Observed: 1 variant allele, 1 heterozygote.
Comment: This study involves interpretation of variants in research participants for the purpose of population health screening. Participant phenotype was not available at the time of variant classification. Additional details can be found in publication PMID: 35346344, PMCID: PMC8962531

Labcorp Genetics (formerly Invitae), Labcorp
Classification: Likely benign for Aortic aneurysm, familial thoracic 4. Last evaluated: 2023-05-12. Review status: criteria provided, single submitter. Criteria: Invitae Variant Classification Sherloc (09022015). Collection method: clinical testing. Allele origin: germline.

NM_002474.3(MYH11):c.1330C>T (p.Leu444=)

Gene: MYH11 (myosin heavy chain 11; minus strand). Cytogenetic location: 16p13.11.
Variant type: single nucleotide variant.
Coding change: c.1330C>T on transcript NM_002474.3 (MANE Select); coding-DNA position 1330, C replaced by T.
Protein change: p.Leu444=; no amino-acid change (leucine 444 retained).
Molecular consequence: synonymous variant.
Genome position (GRCh38, 1-based): chr16:15,759,647, G>A on the plus strand (C>T on the coding strand, the complement: MYH11 is on the minus strand). VCF-style: chr16-15759647-G-A. GRCh37 (hg19) VCF-style: chr16-15853504-G-A.
Other names: c.1351C>T, p.Leu451= (NM_001040113.2, NM_001040114.2); c.1330C>T, p.Leu444= (NM_022844.3).
Identifiers: ClinVar variation 2863676 (VCV002863676.4), dbSNP rs2506399593, ClinGen allele CA493793692.